The following is an entry in ClinVar:

NM_014822.4(SEC24D):c.2752A>G (p.Ile918Val)

Gene: SEC24D (SEC24 homolog D, COPII component; minus strand). Cytogenetic location: 4q26.
Variant type: single nucleotide variant.
Coding change: c.2752A>G on transcript NM_014822.4 (MANE Select); coding-DNA position 2752, A replaced by G.
Protein change: p.Ile918Val; replaces isoleucine 918 with valine.
Molecular consequence: missense variant.
Genome position (GRCh38, 1-based): chr4:118,731,432, T>C on the plus strand (A>G on the coding strand, the complement: SEC24D is on the minus strand). VCF-style: chr4-118731432-T-C. GRCh37 (hg19) VCF-style: chr4-119652587-T-C.
Other names: c.2755A>G, p.Ile919Val (NM_001318066.2); short protein forms I918V, I919V.
Identifiers: ClinVar variation 1988755 (VCV001988755.4), dbSNP rs1333781972, ClinGen allele CA358004599.

ClinVar aggregate classification (germline): Uncertain significance (1 of 4 stars; one submission).

Allele frequency attached by ClinVar (database versions not stated): gnomAD exomes below 0.00001; gnomAD 0.00001; TOPMed 0.00001.
gnomAD v4.1: 4 of 1,613,938 alleles (0.00025%); highest among the groups gnomAD compares: African/African-American, 0.0027%; no homozygotes.

Submission:

Labcorp Genetics (formerly Invitae), Labcorp
Classification: Uncertain significance. Last evaluated: 2025-12-08. Review status: criteria provided, single submitter. Criteria: Invitae Variant Classification Sherloc (09022015). Collection method: clinical testing. Allele origin: germline.
Comment: This sequence change replaces isoleucine, which is neutral and non-polar, with valine, which is neutral and non-polar, at codon 918 of the SEC24D protein (p.Ile918Val). This variant is not present in population databases (gnomAD no frequency). This variant has not been reported in the literature in individuals affected with SEC24D-related conditions. ClinVar contains an entry for this variant (Variation ID: 1988755). An algorithm developed to predict the effect of missense changes on protein structure and function outputs the following: PolyPhen-2: "Benign". The valine amino acid residue is found in multiple mammalian species, which suggests that this missense change does not adversely affect protein function. In summary, the available evidence is currently insufficient to determine the role of this variant in disease. Therefore, it has been classified as a Variant of Uncertain Significance.